The following is an entry in ClinVar:

NM_001349253.2(SCN11A):c.4933G>A (p.Ala1645Thr)

Gene: SCN11A (sodium voltage-gated channel alpha subunit 11; minus strand). Cytogenetic location: 3p22.2.
Variant type: single nucleotide variant.
Coding change: c.4933G>A on transcript NM_001349253.2 (MANE Select); coding-DNA position 4933, G replaced by A.
Protein change: p.Ala1645Thr; replaces alanine 1645 with threonine.
Molecular consequence: missense variant.
Genome position (GRCh38, 1-based): chr3:38,847,137, C>T on the plus strand (G>A on the coding strand, the complement: SCN11A is on the minus strand). VCF-style: chr3-38847137-C-T. GRCh37 (hg19) VCF-style: chr3-38888628-C-T.
Other names: c.4933G>A, p.Ala1645Thr (NM_014139.3); short protein forms A1645T.
Identifiers: ClinVar variation 1015703 (VCV001015703.5), dbSNP rs2064683504, ClinGen allele CA352162009.

ClinVar aggregate classification (germline): Uncertain significance (1 of 4 stars; one submission).

Conditions:
Hereditary sensory and autonomic neuropathy type 7. Also called: Neuropathy, hereditary sensory and autonomic, type VII; HSAN VII. Identifiers: Orphanet 391397, MedGen C3809882, MONDO:0014244, OMIM 615548.
Familial episodic pain syndrome with predominantly lower limb involvement. Also called: Episodic pain syndrome, familial, 3. Identifiers: Orphanet 391384, Orphanet 391392, MedGen C3809899, MONDO:0014247, OMIM 615552.

Allele frequency attached by ClinVar (database versions not stated): gnomAD 0.00001.
gnomAD v4.1: 1 of 1,614,072 alleles (0.000062%); highest among the groups gnomAD compares: Non-Finnish European, 0.000085%; no homozygotes.

Submission:

Labcorp Genetics (formerly Invitae), Labcorp
Classification: Uncertain significance for Familial episodic pain syndrome with predominantly lower limb involvement; Hereditary sensory and autonomic neuropathy type 7. Last evaluated: 2020-07-19. Review status: criteria provided, single submitter. Criteria: Invitae Variant Classification Sherloc (09022015). Collection method: clinical testing. Allele origin: germline.
Comment: This sequence change replaces alanine with threonine at codon 1645 of the SCN11A protein (p.Ala1645Thr). The alanine residue is highly conserved and there is a small physicochemical difference between alanine and threonine. This variant is not present in population databases (ExAC no frequency). This variant has not been reported in the literature in individuals with SCN11A-related conditions. Algorithms developed to predict the effect of missense changes on protein structure and function are either unavailable or do not agree on the potential impact of this missense change (SIFT: "Deleterious"; PolyPhen-2: "Benign"; Align-GVGD: "Class C0"). In summary, the available evidence is currently insufficient to determine the role of this variant in disease. Therefore, it has been classified as a Variant of Uncertain Significance.